The following is an entry in ClinVar:

NM_022132.5(MCCC2):c.728G>C (p.Gly243Ala)

Gene: MCCC2 (methylcrotonyl-CoA carboxylase subunit 2; plus strand). Cytogenetic location: 5q13.2.
Variant type: single nucleotide variant.
Coding change: c.728G>C on transcript NM_022132.5 (MANE Select); coding-DNA position 728, G replaced by C.
Protein change: p.Gly243Ala; replaces glycine 243 with alanine.
Molecular consequence: missense variant. On other transcripts: intron variant (1).
Genome position (GRCh38, 1-based): chr5:71,626,743, G>C. VCF-style: chr5-71626743-G-C. GRCh37 (hg19) VCF-style: chr5-70922570-G-C.
Other names: c.625-5378G>C (NM_001363147.1); short protein forms G243A.
Identifiers: ClinVar variation 1389992 (VCV001389992.6), dbSNP rs770351523, ClinGen allele CA3297849.
Genomic context (GRCh38, chr5:71,626,743, plus strand): 5'-TGCCTGCCATGGCTGATGAAAACATCATTGTACGCAAGCAGGGTACCATTTTCTTGGCAG[G>C]ACCCCCCTTGGTAAGAACATAAGAACGTTGGTCGATGGAAATTAAGTATGCAGAACATAA-3'
Protein context (NP_071415.1, residues 233-253): VRKQGTIFLA[Gly243Ala]PPLVKAATGE

ClinVar aggregate classification (germline): Uncertain significance. Review status: criteria provided, multiple submitters, no conflicts (2 of 4 stars). 2 submissions from 2 submitters: Uncertain significance (2). Last evaluated 2026-03-30.

Conditions:
3-methylcrotonyl-CoA carboxylase 2 deficiency. Also called: METHYLCROTONYLGLYCINURIA, TYPE II; 3 alpha methylcrotonyl-CoA carboxylase 2 deficiency; 3 alpha methylcrotonylglycinuria 2; MCC 2 deficiency; Methylcrotonylglycinuria type 2. Identifiers: Orphanet 6, MedGen C1859499, MONDO:0008862, OMIM 210210.

Allele frequency attached by ClinVar (database versions not stated): gnomAD exomes below 0.00001; ExAC 0.00001.
gnomAD v4.1: 2 of 1,614,074 alleles (0.00012%); highest among the groups gnomAD compares: East Asian, 0.0022%; no homozygotes.

Submissions (2):

Myriad Genetics, Inc.
Classification: Uncertain significance for 3-methylcrotonyl-CoA carboxylase 2 deficiency. Last evaluated: 2026-03-30. Review status: criteria provided, single submitter. Criteria: Myriad Autosomal Dominant, Autosomal Recessive and X-Linked Classification Criteria (2023). Collection method: clinical testing. Allele origin: unknown.
Comment: NM_022132.4(MCCC2):c.728G>C(G243A) is a missense variant classified as a variant of uncertain significance in the context of 3-methylcrotonyl-CoA carboxylase deficiency, MCCC2-related. G243A has been observed in a case with relevant disease (PMID: 36822454). Relevant functional assessments of this variant are not available in the literature. G243A has been observed in referenced population frequency databases. In summary, there is insufficient evidence to classify NM_022132.4(MCCC2):c.728G>C(G243A) as pathogenic or benign. Please note: this variant was assessed in the context of healthy population screening.

Labcorp Genetics (formerly Invitae), Labcorp
Classification: Uncertain significance for 3-methylcrotonyl-CoA carboxylase 2 deficiency. Last evaluated: 2021-08-27. Review status: criteria provided, single submitter. Criteria: Invitae Variant Classification Sherloc (09022015). Collection method: clinical testing. Allele origin: germline.
Comment: This sequence change replaces glycine with alanine at codon 243 of the MCCC2 protein (p.Gly243Ala). The glycine residue is highly conserved and there is a small physicochemical difference between glycine and alanine. This variant is present in population databases (rs770351523, ExAC 0.002%). This variant has not been reported in the literature in individuals affected with MCCC2-related conditions. Algorithms developed to predict the effect of missense changes on protein structure and function (SIFT, PolyPhen-2, Align-GVGD) all suggest that this variant is likely to be disruptive. In summary, the available evidence is currently insufficient to determine the role of this variant in disease. Therefore, it has been classified as a Variant of Uncertain Significance.

Literature cited by the submitters: PubMed 36822454 (cited by Myriad Genetics, Inc.).